The following is an entry in ClinVar:

ClinVar aggregate classification (germline): Pathogenic (1 of 4 stars; one submission).

Conditions:
Wiskott-Aldrich syndrome (WAS). Also called: WISKOTT-ALDRICH SYNDROME 1; ALDRICH SYNDROME; IMMUNODEFICIENCY 2; Wiskott-aldrich syndrome, somatic. Identifiers: Orphanet 906, MedGen C0043194, MONDO:0010518, OMIM 301000.
X-linked severe congenital neutropenia (SCNX). Identifiers: Orphanet 86788, MedGen C1845987, MONDO:0010294, OMIM 300299.
Thrombocytopenia 1. Also called: X-linked thrombocytopenia with normal platelets; THROMBOCYTOPENIA, X-LINKED, 1; X-Linked Thrombocytopenia (XLT). Identifiers: Orphanet 268322, Orphanet 852, MedGen C1839163, MONDO:0010743, OMIM 313900.

Submission:

Labcorp Genetics (formerly Invitae), Labcorp
Classification: Pathogenic for Wiskott-Aldrich syndrome; Severe congenital neutropenia X-linked; Thrombocytopenia, X-linked. Last evaluated: 2018-12-11. Review status: criteria provided, single submitter. Criteria: Invitae Variant Classification Sherloc (09022015). Collection method: clinical testing. Allele origin: germline.
Comment: This variant is a gross deletion of the genomic region encompassing exon 1 of the WAS gene, which includes the initiator codon. The 5' end of this event is unknown as it extends beyond the assayed region for this gene and therefore may encompass additional genes. The 3' boundary is likely confined to intron 1 of the WAS gene. This is expected to result in an absent or disrupted protein product. This variant has not been reported in the literature in individuals with WAS-related conditions. Loss-of-function variants in WAS are known to be pathogenic (PMID: 15284122). For these reasons, this variant has been classified as Pathogenic.

NM_000377.3(WAS):c.-37_132+35del

Gene: WAS (WASP actin nucleation promoting factor; plus strand). Cytogenetic location: Xp11.23.
Variant type: Deletion.
Coding change: c.-37_132+35del on transcript NM_000377.3 (MANE Select); 37 bases upstream of the start codon through 35 bases into the intron after coding-DNA position 132, 204 bases deleted.
Molecular consequence: splice donor variant, initiator codon variant.
Genome position (GRCh38, 1-based): chrX:48,683,817-48,684,020, 204 bases deleted. GRCh37 (hg19): chrX:48,542,206-48,542,409.
Identifiers: ClinVar variation 663734 (VCV000663734.2), dbSNP rs1602176146, ClinGen allele CA915951080.